The following is an entry in ClinVar:

NM_000722.4(CACNA2D1):c.2237C>T (p.Thr746Ile)

Gene: CACNA2D1 (calcium voltage-gated channel auxiliary subunit alpha2delta 1; minus strand). Cytogenetic location: 7q21.11.
Variant type: single nucleotide variant.
Coding change: c.2237C>T on transcript NM_000722.4 (MANE Select); coding-DNA position 2237, C replaced by T.
Protein change: p.Thr746Ile; replaces threonine 746 with isoleucine.
Molecular consequence: missense variant.
Genome position (GRCh38, 1-based): chr7:81,969,952, G>A on the plus strand (C>T on the coding strand, the complement: CACNA2D1 is on the minus strand). VCF-style: chr7-81969952-G-A. GRCh37 (hg19) VCF-style: chr7-81599268-G-A.
Other names: c.2273C>T, p.Thr758Ile (NM_001366867.1); short protein forms T758I, T746I.
Identifiers: ClinVar variation 4698265 (VCV004698265.1).

ClinVar aggregate classification (germline): Uncertain significance (1 of 4 stars; one submission).

Conditions:
Brugada syndrome. Also called: Sudden unexpected nocturnal death syndrome; Sudden Unexplained Death Syndrome; Sudden Unexplained Nocturnal Death Syndrome (SUNDS); Sudden unexplained nocturnal death syndrome. Identifiers: Orphanet 130, MedGen C1142166, MONDO:0015263.

gnomAD v4.1: 2 of 1,608,480 alleles (0.00012%); highest among the groups gnomAD compares: South Asian, 0.0022%; no homozygotes.

Submission:

Labcorp Genetics (formerly Invitae), Labcorp
Classification: Uncertain significance for Brugada syndrome. Last evaluated: 2025-09-28. Review status: criteria provided, single submitter. Criteria: Invitae Variant Classification Sherloc (09022015). Collection method: clinical testing. Allele origin: germline.
Comment: This sequence change replaces threonine, which is neutral and polar, with isoleucine, which is neutral and non-polar, at codon 746 of the CACNA2D1 protein (p.Thr746Ile). This variant is not present in population databases (gnomAD no frequency). This missense change has been observed in individual(s) with arrhythmia (PMID: 30847666). An algorithm developed to predict the effect of missense changes on protein structure and function (PolyPhen-2) suggests that this variant is likely to be disruptive. In summary, the available evidence is currently insufficient to determine the role of this variant in disease. Therefore, it has been classified as a Variant of Uncertain Significance.

Literature cited by the submitters: PubMed 30847666.